The following is an entry in ClinVar:

ClinVar aggregate classification (germline): Uncertain significance. Review status: criteria provided, multiple submitters, no conflicts (2 of 4 stars). 3 submissions from 3 submitters: Uncertain significance (3). Last evaluated 2025-09-28.

Conditions:
Inborn genetic diseases. Identifiers: MedGen C0950123, MeSH D030342.

Allele frequency attached by ClinVar (database versions not stated): ExAC 0.00003; gnomAD 0.00003 and 0.00004; gnomAD exomes 0.00003; TOPMed 0.00003; ESP Exome Variant Server 0.00008.
gnomAD v4.1: 142 of 1,613,944 alleles (0.0088%); highest among the groups gnomAD compares: Non-Finnish European, 0.011%; no homozygotes.

Submissions (3):

Ambry Genetics
Classification: Uncertain significance for Inborn genetic diseases. Last evaluated: 2025-09-28. Review status: criteria provided, single submitter. Criteria: Ambry Variant Classification Scheme 2023. Collection method: clinical testing. Allele origin: germline.

Labcorp Genetics (formerly Invitae), Labcorp
Classification: Uncertain significance. Last evaluated: 2025-05-05. Review status: criteria provided, single submitter. Criteria: Invitae Variant Classification Sherloc (09022015). Collection method: clinical testing. Allele origin: germline.
Comment: This sequence change replaces valine, which is neutral and non-polar, with isoleucine, which is neutral and non-polar, at codon 535 of the ARHGEF18 protein (p.Val535Ile). This variant is present in population databases (rs377679628, gnomAD 0.006%). This variant has not been reported in the literature in individuals affected with ARHGEF18-related conditions. ClinVar contains an entry for this variant (Variation ID: 1523756). An algorithm developed to predict the effect of missense changes on protein structure and function outputs the following: PolyPhen-2: "Benign". The isoleucine amino acid residue is found in multiple mammalian species, which suggests that this missense change does not adversely affect protein function. In summary, the available evidence is currently insufficient to determine the role of this variant in disease. Therefore, it has been classified as a Variant of Uncertain Significance.

Blueprint Genetics
Classification: Uncertain significance. Last evaluated: 2024-04-15. Review status: criteria provided, single submitter. Criteria: ACMG Guidelines, 2015. Collection method: clinical testing. Allele origin: germline.

NM_001367823.1(ARHGEF18):c.2167G>A (p.Val723Ile)

Gene: ARHGEF18 (Rho/Rac guanine nucleotide exchange factor 18; plus strand). Cytogenetic location: 19p13.2.
Variant type: single nucleotide variant.
Coding change: c.2167G>A on transcript NM_001367823.1 (MANE Select); coding-DNA position 2167, G replaced by A.
Protein change: p.Val723Ile; replaces valine 723 with isoleucine.
Molecular consequence: missense variant.
Genome position (GRCh38, 1-based): chr19:7,456,389, G>A. VCF-style: chr19-7456389-G-A. GRCh37 (hg19) VCF-style: chr19-7521275-G-A.
Other names: c.1441G>A, p.Val481Ile (NM_001130955.2); c.1129G>A, p.Val377Ile (NM_001367824.1, NM_015318.4); c.1603G>A (NM_001130955.1); short protein forms V723I, V377I, V481I.
Identifiers: ClinVar variation 1523756 (VCV001523756.10), dbSNP rs377679628, ClinGen allele CA9136730.